The following is an entry in ClinVar:

ClinVar aggregate classification (germline): Uncertain significance. Review status: criteria provided, multiple submitters, no conflicts (2 of 4 stars). 2 submissions from 2 submitters: Uncertain significance (2). Last evaluated 2024-11-26.

Conditions:
Hereditary cancer-predisposing syndrome. Also called: Hereditary Cancer Syndrome; Neoplastic Syndromes, Hereditary; Tumor predisposition; Hereditary neoplastic syndrome. Identifiers: Orphanet 140162, MedGen C0027672, MeSH D009386, MONDO:0015356.
Oligodontia-cancer predisposition syndrome. Also called: TOOTH AGENESIS-COLORECTAL CANCER SYNDROME. Identifiers: Orphanet 300576, MedGen C1837750, MONDO:0012075, OMIM 608615. Disease mechanism: loss of function.

Submissions (2):

Ambry Genetics
Classification: Uncertain significance for Hereditary cancer-predisposing syndrome. Last evaluated: 2024-11-26. Review status: criteria provided, single submitter. Criteria: Ambry Variant Classification Scheme 2023. Collection method: clinical testing. Allele origin: germline.
Comment: The c.1201-3C>A intronic variant results from a C to A substitution 3 nucleotides upstream from coding exon 5 in the AXIN2 gene. This nucleotide position is well conserved in available vertebrate species. In silico splice site analysis predicts that this alteration will not have any significant effect on splicing. Based on the available evidence, the clinical significance of this variant remains unclear.

Labcorp Genetics (formerly Invitae), Labcorp
Classification: Uncertain significance for Oligodontia-cancer predisposition syndrome. Last evaluated: 2022-08-21. Review status: criteria provided, single submitter. Criteria: Invitae Variant Classification Sherloc (09022015). Collection method: clinical testing. Allele origin: germline.
Comment: Variants that disrupt the consensus splice site are a relatively common cause of aberrant splicing (PMID: 17576681, 9536098). Algorithms developed to predict the effect of sequence changes on RNA splicing suggest that this variant may create or strengthen a splice site. This variant has not been reported in the literature in individuals affected with AXIN2-related conditions. This variant is not present in population databases (gnomAD no frequency). This sequence change falls in intron 5 of the AXIN2 gene. It does not directly change the encoded amino acid sequence of the AXIN2 protein. It affects a nucleotide within the consensus splice site. In summary, the available evidence is currently insufficient to determine the role of this variant in disease. Therefore, it has been classified as a Variant of Uncertain Significance.

Literature cited by the submitters: PubMed 17576681 (cited by Labcorp Genetics (formerly Invitae), Labcorp); PubMed 9536098 (cited by Labcorp Genetics (formerly Invitae), Labcorp).

NM_004655.4(AXIN2):c.1201-3C>A

Gene: AXIN2 (axin 2; minus strand). Cytogenetic location: 17q24.1.
Variant type: single nucleotide variant.
Coding change: c.1201-3C>A on transcript NM_004655.4 (MANE Select); 3 bases into the intron before coding-DNA position 1201, C replaced by A.
Molecular consequence: intron variant.
Genome position (GRCh38, 1-based): chr17:65,537,838, G>T on the plus strand (C>A on the coding strand, the complement: AXIN2 is on the minus strand). VCF-style: chr17-65537838-G-T. GRCh37 (hg19) VCF-style: chr17-63533956-G-T.
Other names: c.1201-3C>A (NM_001363813.1).
Identifiers: ClinVar variation 1747563 (VCV001747563.8), dbSNP rs1358032988, ClinGen allele CA2580095022.